The following is an entry in ClinVar:

ClinVar aggregate classification (germline): Uncertain significance (1 of 4 stars; one submission).

Submission:

Ambry Genetics
Classification: Uncertain significance. Last evaluated: 2025-09-10. Review status: criteria provided, single submitter. Criteria: Ambry Variant Classification Scheme 2023. Collection method: clinical testing. Allele origin: germline.
Comment: The p.R283G variant (also known as c.847A>G), located in coding exon 6 of the RECQL gene, results from an A to G substitution at nucleotide position 847. The arginine at codon 283 is replaced by glycine, an amino acid with dissimilar properties. This amino acid position is conserved. In addition, this alteration is predicted to be deleterious by in silico analysis. Based on the available evidence, the clinical significance of this variant remains unclear.

NM_002907.4(RECQL):c.847A>G (p.Arg283Gly)

Gene: RECQL (RecQ like helicase; minus strand). Cytogenetic location: 12p12.1.
Variant type: single nucleotide variant.
Coding change: c.847A>G on transcript NM_002907.4 (MANE Select); coding-DNA position 847, A replaced by G.
Protein change: p.Arg283Gly; replaces arginine 283 with glycine.
Molecular consequence: missense variant.
Genome position (GRCh38, 1-based): chr12:21,477,823, T>C on the plus strand (A>G on the coding strand, the complement: RECQL is on the minus strand). VCF-style: chr12-21477823-T-C. GRCh37 (hg19) VCF-style: chr12-21630757-T-C.
Other names: c.847A>G, p.Arg283Gly (NM_032941.3); short protein forms R283G.
Identifiers: ClinVar variation 4152329 (VCV004152329.1).